The following is an entry in ClinVar:

ClinVar aggregate classification (germline): Pathogenic (1 of 4 stars; one submission).

Conditions:
RPS19-related disorder. Also called: RPS19-related condition.

Submission:

PreventionGenetics, part of Exact Sciences
Classification: Pathogenic for RPS19-related condition. Last evaluated: 2026-06-03. Review status: criteria provided, single submitter. Criteria: ACMG Guidelines, 2015. Collection method: clinical testing. Allele origin: germline.
Comment: The RPS19 c.357-2A>C variant is predicted to disrupt the AG splice acceptor site and interfere with normal splicing. To our knowledge, this variant has not been reported in the literature. An alternate variant affecting this same nucleotide (c.357-2A>G) has been reported in an individual with Diamond-Blackfan anemia (Chae et al. 2014. PubMed ID: 24675553). This variant is absent in a large population database (gnomAD), indicating this variant is rare. Variants that disrupt the consensus splice acceptor site in RPS19 are an established mechanism of disease. This variant is interpreted as pathogenic.

NM_001022.4(RPS19):c.357-2A>C

Genes: MIR6797 (microRNA 6797; plus strand), RPS19 (ribosomal protein S19; plus strand), RPS19-CD79A (RPS19-CD79A readthrough; plus strand). Cytogenetic location: 19q13.2.
Variant type: single nucleotide variant.
Coding change: c.357-2A>C on transcript NM_001022.4 (MANE Select); the canonical splice acceptor site of the intron before coding-DNA position 357, A replaced by C.
Molecular consequence: splice acceptor variant. On other transcripts: non-coding transcript variant (1).
Genome position (GRCh38, 1-based): chr19:41,869,697, A>C. VCF-style: chr19-41869697-A-C. GRCh37 (hg19) VCF-style: chr19-42373767-A-C.
Other names: c.357-2A>C (NM_001321484.2, NM_001321483.2); c.370-2A>C (NM_001321485.2).
Identifiers: ClinVar variation 4992621 (VCV004992621.1).
Genomic context (GRCh38, chr19:41,869,697, plus strand): 5'-GGAAGGGGCTGAGAACAGGACCTGTGCTCACTGGGGCCTGCATGACCCTTCCCTCCCCAC[A>C]GCGGCCGCAAACTGACACCTCAGGGACAAAGAGATCTGGACAGAATCGCCGGACAGGTAA-3'